The following is an entry in ClinVar:

ClinVar aggregate classification (germline): Uncertain significance (1 of 4 stars; one submission).

Conditions:
Aortic valve disease 2 (AOVD2). Identifiers: MedGen C3542024, MONDO:0013902, OMIM 614823.

Allele frequency attached by ClinVar (database versions not stated): gnomAD exomes below 0.00001.
gnomAD v4.1: 6 of 1,603,108 alleles (0.00037%); highest among the groups gnomAD compares: Non-Finnish European, 0.00051%; no homozygotes.

Submission:

Labcorp Genetics (formerly Invitae), Labcorp
Classification: Uncertain significance for Aortic valve disease 2. Last evaluated: 2018-10-04. Review status: criteria provided, single submitter. Criteria: Invitae Variant Classification Sherloc (09022015). Collection method: clinical testing. Allele origin: germline.
Comment: This sequence change replaces alanine with threonine at codon 419 of the SMAD6 protein (p.Ala419Thr). The alanine residue is moderately conserved and there is a small physicochemical difference between alanine and threonine. This variant is not present in population databases (ExAC no frequency). This variant has not been reported in the literature in individuals with SMAD6-related disease. Algorithms developed to predict the effect of missense changes on protein structure and function (SIFT, PolyPhen-2, Align-GVGD) all suggest that this variant is likely to be tolerated, but these predictions have not been confirmed by published functional studies and their clinical significance is uncertain. In summary, the available evidence is currently insufficient to determine the role of this variant in disease. Therefore, it has been classified as a Variant of Uncertain Significance.

NM_005585.5(SMAD6):c.1255G>A (p.Ala419Thr)

Gene: SMAD6 (SMAD family member 6; plus strand). Cytogenetic location: 15q22.31.
Variant type: single nucleotide variant.
Coding change: c.1255G>A on transcript NM_005585.5 (MANE Select); coding-DNA position 1255, G replaced by A.
Protein change: p.Ala419Thr; replaces alanine 419 with threonine.
Molecular consequence: missense variant. On other transcripts: non-coding transcript variant (1).
Genome position (GRCh38, 1-based): chr15:66,781,299, G>A. VCF-style: chr15-66781299-G-A. GRCh37 (hg19) VCF-style: chr15-67073637-G-A.
Other names: short protein forms A419T.
Identifiers: ClinVar variation 662413 (VCV000662413.8), dbSNP rs900897541, ClinGen allele CA272023591.